The following is an entry in ClinVar:

NC_000017.10:g.(?_29663378)_(29663849_?)del

Gene: NF1 (neurofibromin 1; plus strand). Cytogenetic location: 17q11.2.
Variant type: Deletion.
Identifiers: ClinVar variation 3242914 (VCV003242914.1).

ClinVar aggregate classification (germline): Pathogenic (1 of 4 stars; one submission).

Conditions:
Neurofibromatosis, type 1 (NF1). Also called: VON RECKLINGHAUSEN DISEASE; Neurofibromatosis, type I; Peripheral type neurofibromatosis; NEUROFIBROMATOSIS, TYPE I, SOMATIC. Identifiers: Orphanet 636, MedGen C0027831, MONDO:0018975, OMIM 162200. Disease mechanism: loss of function.

Submission:

Labcorp Genetics (formerly Invitae), Labcorp
Classification: Pathogenic for Neurofibromatosis, type 1. Last evaluated: 2024-01-16. Review status: criteria provided, single submitter. Criteria: Invitae Variant Classification Sherloc (09022015). Collection method: clinical testing. Allele origin: unknown.
Comment: This variant results in the deletion of part of exons 40 and 41 of the NF1 gene. This deletion is out-of-frame, and is expected to create a premature termination codon and result in an absent or disrupted protein product. Loss-of-function variants in NF1 are known to be pathogenic (PMID: 10712197, 23913538). This variant has not been reported in the literature in individuals affected with NF1-related conditions. For these reasons, this variant has been classified as Pathogenic.

Literature cited by the submitters: PubMed 10712197; PubMed 23913538.